The following is an entry in ClinVar:

NM_000051.4(ATM):c.497-1142dup

Gene: ATM (ATM serine/threonine kinase; plus strand). Cytogenetic location: 11q22.3.
Variant type: Duplication.
Coding change: c.497-1142dup on transcript NM_000051.4 (MANE Select); 1142 bases into the intron before coding-DNA position 497, one base duplicated (A; older notation c.497-1142dupA).
Molecular consequence: intron variant.
Genome position (GRCh38, 1-based): chr11:108,242,811, A duplicated. VCF-style (leftmost placement, unchanged base first): chr11-108242810-T-TA. GRCh37 (hg19) VCF-style: chr11-108113537-T-TA.
Other names: c.497-1142dup (NM_001351834.2).
Identifiers: ClinVar variation 2453925 (VCV002453925.2), dbSNP rs2497112920, ClinGen allele CA2580083077.

ClinVar aggregate classification (germline): Likely pathogenic (1 of 4 stars; one submission).

Conditions:
Hereditary cancer-predisposing syndrome. Also called: Neoplastic Syndromes, Hereditary; Hereditary neoplastic syndrome; Tumor predisposition; Hereditary Cancer Syndrome. Identifiers: Orphanet 140162, MedGen C0027672, MeSH D009386, MONDO:0015356.

Submission:

Ambry Genetics
Classification: Likely pathogenic for Hereditary cancer-predisposing syndrome. Last evaluated: 2022-11-15. Review status: criteria provided, single submitter. Criteria: Ambry Variant Classification Scheme 2023. Collection method: clinical testing. Allele origin: germline.
Comment: The c.497-1142dupA intronic variant, located 1142 nucleotides before coding exon 5 of the ATM gene, results from a duplication of A at nucleotide position c.497-1142. This nucleotide position is highly conserved in available vertebrate species. In silico splice site analysis predicts that this alteration will result in the creation or strengthening of a novel splice donor site. RNA studies have demonstrated that this alteration results in abnormal splicing in the set of samples tested (Ambry internal data). Based on the majority of available evidence to date, this variant is likely to be pathogenic.